The following is an entry in ClinVar:

ClinVar aggregate classification (germline): Pathogenic. Review status: reviewed by expert panel (3 of 4 stars). 3 submissions from 3 submitters: Pathogenic (1). 2 of the submissions do not count toward it. Last evaluated 2016-10-18.

Conditions:
Breast-ovarian cancer, familial, susceptibility to, 2 (BROVCA2). Also called: BRCA2 Hereditary Breast and Ovarian Cancer. Identifiers: Orphanet 145, MedGen C2675520, MONDO:0012933, OMIM 612555. Disease mechanism: loss of function.
Hereditary breast ovarian cancer syndrome. Also called: BRCA1- and BRCA2-Associated Hereditary Breast and Ovarian Cancer; Hereditary breast and ovarian cancer; Breast and ovarian cancer; Hereditary breast and/or ovarian cancer syndrome; Hereditary breast and ovarian cancer syndrome; Hereditary breast and ovarian cancer syndrome (HBOC). Identifiers: Orphanet 145, MedGen C0677776, MeSH D061325, MONDO:0003582. Disease mechanism: loss of function.

Submissions (3):

Evidence-based Network for the Interpretation of Germline Mutant Alleles (ENIGMA)
Classification: Pathogenic for Breast-ovarian cancer, familial, susceptibility to, 2. Last evaluated: 2016-10-18. Review status: reviewed by expert panel. Criteria: ENIGMA BRCA1/2 Classification Criteria (2015). Collection method: curation. Allele origin: germline.
Comment: Variant allele predicted to encode a truncated non-functional protein.

Labcorp Genetics (formerly Invitae), Labcorp
Classification: Pathogenic for Hereditary breast and ovarian cancer syndrome. Last evaluated: 2018-06-12. Review status: criteria provided, single submitter. Criteria: Invitae Variant Classification Sherloc (09022015). Collection method: clinical testing. Allele origin: germline. Not counted in ClinVar's aggregate classification.
Comment: This sequence change creates a premature translational stop signal (p.Leu1466*) in the BRCA2 gene. It is expected to result in an absent or disrupted protein product. This variant is not present in population databases (ExAC no frequency). This variant has been reported in individuals in the Leiden Open-source Variation Database (PMID: 21520333). ClinVar contains an entry for this variant (Variation ID: 266808). Loss-of-function variants in BRCA2 are known to be pathogenic (PMID: 20104584). For these reasons, this variant has been classified as Pathogenic.

Consortium of Investigators of Modifiers of BRCA1/2 (CIMBA), c/o University of Cambridge
Classification: Pathogenic for Breast-ovarian cancer, familial, susceptibility to, 2. Last evaluated: 2015-10-02. Review status: criteria provided, single submitter. Criteria: CIMBA Mutation Classification guidelines May 2016. Collection method: clinical testing. Allele origin: germline. Not counted in ClinVar's aggregate classification.

Literature cited by the submitters: PubMed 21520333 (cited by Labcorp Genetics (formerly Invitae), Labcorp).

NM_000059.4(BRCA2):c.4397T>A (p.Leu1466Ter)

Gene: BRCA2 (BRCA2 DNA repair associated; plus strand). Cytogenetic location: 13q13.1.
Variant type: single nucleotide variant.
Coding change: c.4397T>A on transcript NM_000059.4 (MANE Select); coding-DNA position 4397, T replaced by A.
Protein change: p.Leu1466Ter; replaces leucine 1466 with a stop codon.
Molecular consequence: nonsense.
Genome position (GRCh38, 1-based): chr13:32,338,752, T>A. VCF-style: chr13-32338752-T-A. GRCh37 (hg19) VCF-style: chr13-32912889-T-A.
Other names: 4625T>A (L1466X); short protein forms L1466*.
Identifiers: ClinVar variation 266808 (VCV000266808.5), dbSNP rs886040526, ClinGen allele CA10589256.